The following is an entry in ClinVar:

NM_018060.4(IARS2):c.741G>A (p.Pro247=)

Gene: IARS2 (isoleucyl-tRNA synthetase 2, mitochondrial; plus strand). Cytogenetic location: 1q41.
Variant type: single nucleotide variant.
Coding change: c.741G>A on transcript NM_018060.4 (MANE Select); coding-DNA position 741, G replaced by A.
Protein change: p.Pro247=; no amino-acid change (proline 247 retained).
Molecular consequence: synonymous variant.
Genome position (GRCh38, 1-based): chr1:220,102,404, G>A. VCF-style: chr1-220102404-G-A. GRCh37 (hg19) VCF-style: chr1-220275746-G-A.
Identifiers: ClinVar variation 753307 (VCV000753307.12), dbSNP rs199601961, ClinGen allele CA1401201.

ClinVar aggregate classification (germline): Benign. Review status: criteria provided, single submitter (1 of 4 stars). 2 submissions from 2 submitters: Benign (1). 1 of the submissions does not count toward it. Last evaluated 2025-07-27.

Conditions:
IARS2-related disorder. Also called: IARS2-related condition.

Allele frequency attached by ClinVar (database versions not stated): gnomAD 0.00014 and 0.00023; gnomAD exomes 0.00015 and 0.00039; TOPMed 0.00026; ExAC 0.00044; 1000 Genomes Project 30x 0.00094; 1000 Genomes Project 0.00120.
gnomAD v4.1: 257 of 1,613,684 alleles (0.016%); highest among the groups gnomAD compares: East Asian, 0.39%; 1 homozygote.

Submissions (2):

Labcorp Genetics (formerly Invitae), Labcorp
Classification: Benign. Last evaluated: 2025-07-27. Review status: criteria provided, single submitter. Criteria: Invitae Variant Classification Sherloc (09022015). Collection method: clinical testing. Allele origin: germline.

PreventionGenetics, part of Exact Sciences
Classification: Likely benign for IARS2-related condition. Last evaluated: 2020-04-24. Review status: no assertion criteria provided. Collection method: clinical testing. Allele origin: germline. Not counted in ClinVar's aggregate classification.
Comment: This variant is classified as likely benign based on ACMG/AMP sequence variant interpretation guidelines (Richards et al. 2015 PMID: 25741868, with internal and published modifications).